The following is an entry in ClinVar:

ClinVar aggregate classification (germline): Benign/Likely benign. Review status: criteria provided, multiple submitters, no conflicts (2 of 4 stars). 5 submissions from 5 submitters: Benign (1); Likely benign (4). Last evaluated 2026-02-03.

Conditions:
Inborn genetic diseases. Identifiers: MedGen C0950123, MeSH D030342.
Koolen-de Vries syndrome (KDVS). Identifiers: Orphanet 96169, MedGen C1864871, MONDO:0012496, OMIM 610443.

Allele frequency attached by ClinVar (database versions not stated): gnomAD exomes 0.00002 and 0.00011; TOPMed 0.00003; gnomAD 0.00004 and 0.00005; ExAC 0.00008; 1000 Genomes Project 0.00040; 1000 Genomes Project 30x 0.00047.
gnomAD v4.1: 61 of 1,614,178 alleles (0.0038%); highest among the groups gnomAD compares: East Asian, 0.076%; no homozygotes.

Submissions (5):

Labcorp Genetics (formerly Invitae), Labcorp
Classification: Benign for Koolen-de Vries syndrome. Last evaluated: 2026-02-03. Review status: criteria provided, single submitter. Criteria: Invitae Variant Classification Sherloc (09022015). Collection method: clinical testing. Allele origin: germline.

Blueprint Genetics
Classification: Likely benign. Last evaluated: 2023-05-08. Review status: criteria provided, single submitter. Criteria: ACMG Guidelines, 2015. Collection method: clinical testing. Allele origin: germline.

Ambry Genetics
Classification: Likely benign for Inborn genetic diseases. Last evaluated: 2022-01-26. Review status: criteria provided, single submitter. Criteria: Ambry Variant Classification Scheme 2023. Collection method: clinical testing. Allele origin: germline.

Fulgent Genetics
Classification: Likely benign for Koolen-de Vries syndrome. Last evaluated: 2021-09-20. Review status: criteria provided, single submitter. Criteria: ACMG Guidelines, 2015. Collection method: clinical testing. Allele origin: unknown.

GeneDx
Classification: Likely benign. Last evaluated: 2015-03-14. Review status: criteria provided, single submitter. Criteria: GeneDx Variant Classification (06012015). Collection method: clinical testing. Allele origin: germline. Affected: yes.
Comment: This variant is considered likely benign or benign based on one or more of the following criteria: it is a conservative change, it occurs at a poorly conserved position in the protein, it is predicted to be benign by multiple in silico algorithms, and/or has population frequency not consistent with disease.

NM_015443.4(KANSL1):c.2414T>C (p.Met805Thr)

Gene: KANSL1 (KAT8 regulatory NSL complex subunit 1). Cytogenetic location: 17q21.31.
Variant type: single nucleotide variant.
Coding change: c.2414T>C on transcript NM_015443.4 (MANE Select); coding-DNA position 2414, T replaced by C.
Protein change: p.Met805Thr; replaces methionine 805 with threonine.
Molecular consequence: missense variant.
Genome position (GRCh38, 1-based): chr17:46,038,665, A>G on the plus strand (T>C on the coding strand, the complement: KANSL1 is on the minus strand). VCF-style: chr17-46038665-A-G. GRCh37 (hg19) VCF-style: chr17-44116031-A-G.
Other names: p.M805T:ATG>ACG; c.2414T>C, p.Met805Thr (NM_001193465.2, NM_001193466.2, NM_001379198.1); short protein forms M805T.
Identifiers: ClinVar variation 205745 (VCV000205745.15), dbSNP rs201526313, ClinGen allele CA315119.